The following is an entry in ClinVar:

NM_016107.5(ZFR):c.520G>T (p.Ala174Ser)

Gene: ZFR (zinc finger RNA binding protein; minus strand). Cytogenetic location: 5p13.3.
Variant type: single nucleotide variant.
Coding change: c.520G>T on transcript NM_016107.5 (MANE Select); coding-DNA position 520, G replaced by T.
Protein change: p.Ala174Ser; replaces alanine 174 with serine.
Molecular consequence: missense variant. On other transcripts: non-coding transcript variant (1).
Genome position (GRCh38, 1-based): chr5:32,417,693, C>A on the plus strand (G>T on the coding strand, the complement: ZFR is on the minus strand). VCF-style: chr5-32417693-C-A. GRCh37 (hg19) VCF-style: chr5-32417798-C-A.
Other names: short protein forms A174S.
Identifiers: ClinVar variation 1969030 (VCV001969030.5), dbSNP rs772512994, ClinGen allele CA116807565.

ClinVar aggregate classification (germline): Uncertain significance (1 of 4 stars; one submission).

Conditions:
Pure or complex autosomal recessive spastic paraplegia. Identifiers: Orphanet 320346, MedGen C5679887, MONDO:0017915.

gnomAD v4.1: 2 of 1,613,724 alleles (0.00012%); highest among the groups gnomAD compares: Admixed American, 0.0017%; no homozygotes.

Submission:

Labcorp Genetics (formerly Invitae), Labcorp
Classification: Uncertain significance for Pure or complex autosomal recessive spastic paraplegia. Last evaluated: 2025-02-24. Review status: criteria provided, single submitter. Criteria: Invitae Variant Classification Sherloc (09022015). Collection method: clinical testing. Allele origin: germline.
Comment: This sequence change replaces alanine, which is neutral and non-polar, with serine, which is neutral and polar, at codon 174 of the ZFR protein (p.Ala174Ser). This variant is present in population databases (no rsID available, gnomAD 0.0009%). This variant has not been reported in the literature in individuals affected with ZFR-related conditions. ClinVar contains an entry for this variant (Variation ID: 1969030). An algorithm developed to predict the effect of missense changes on protein structure and function (PolyPhen-2) suggests that this variant is likely to be disruptive. In summary, the available evidence is currently insufficient to determine the role of this variant in disease. Therefore, it has been classified as a Variant of Uncertain Significance.